The following is an entry in ClinVar:

NM_016122.3(CEP83):c.205G>A (p.Glu69Lys)

Gene: CEP83 (centrosomal protein 83; minus strand). Cytogenetic location: 12q22.
Variant type: single nucleotide variant.
Coding change: c.205G>A on transcript NM_016122.3 (MANE Select); coding-DNA position 205, G replaced by A.
Protein change: p.Glu69Lys; replaces glutamic acid 69 with lysine.
Molecular consequence: missense variant. On other transcripts: 5 prime UTR variant (6), non-coding transcript variant (3).
Genome position (GRCh38, 1-based): chr12:94,411,816, C>T on the plus strand (G>A on the coding strand, the complement: CEP83 is on the minus strand). VCF-style: chr12-94411816-C-T. GRCh37 (hg19) VCF-style: chr12-94805592-C-T.
Other names: c.205G>A, p.Glu69Lys (NM_001042399.2, NM_001346457.2, NM_001346460.2 and 4 more transcripts); c.-108G>A (NM_001346458.2, NM_001346459.2, NM_001346462.2 and 3 more transcripts); c.205G>A (NM_016122.2); short protein forms E69K.
Identifiers: ClinVar variation 2159017 (VCV002159017.5), dbSNP rs748739528, ClinGen allele CA6722010.

ClinVar aggregate classification (germline): Uncertain significance. Review status: criteria provided, multiple submitters, no conflicts (2 of 4 stars). 2 submissions from 2 submitters: Uncertain significance (2). Last evaluated 2025-03-14.

Conditions:
Inborn genetic diseases. Identifiers: MedGen C0950123, MeSH D030342.
Nephronophthisis 18 (NPHP18). Identifiers: Orphanet 655, MedGen C3890591, MONDO:0014374, OMIM 615862.

Allele frequency attached by ClinVar (database versions not stated): TOPMed below 0.00001; gnomAD exomes 0.00001; ExAC 0.00004.
gnomAD v4.1: 10 of 1,612,334 alleles (0.00062%); highest among the groups gnomAD compares: East Asian, 0.018%; no homozygotes.

Submissions (2):

Ambry Genetics
Classification: Uncertain significance for Inborn genetic diseases. Last evaluated: 2025-03-14. Review status: criteria provided, single submitter. Criteria: Ambry Variant Classification Scheme 2023. Collection method: clinical testing. Allele origin: germline.

Labcorp Genetics (formerly Invitae), Labcorp
Classification: Uncertain significance for Nephronophthisis 18. Last evaluated: 2024-10-21. Review status: criteria provided, single submitter. Criteria: Invitae Variant Classification Sherloc (09022015). Collection method: clinical testing. Allele origin: germline.
Comment: This sequence change replaces glutamic acid, which is acidic and polar, with lysine, which is basic and polar, at codon 69 of the CEP83 protein (p.Glu69Lys). This variant is present in population databases (rs748739528, gnomAD 0.06%). This variant has not been reported in the literature in individuals affected with CEP83-related conditions. ClinVar contains an entry for this variant (Variation ID: 2159017). Invitae Evidence Modeling of protein sequence and biophysical properties (such as structural, functional, and spatial information, amino acid conservation, physicochemical variation, residue mobility, and thermodynamic stability) has been performed for this missense variant. However, the output from this modeling did not meet the statistical confidence thresholds required to predict the impact of this variant on CEP83 protein function. In summary, the available evidence is currently insufficient to determine the role of this variant in disease. Therefore, it has been classified as a Variant of Uncertain Significance.